The following is an entry in ClinVar:

ClinVar aggregate classification (germline): Uncertain significance (1 of 4 stars; one submission).

Conditions:
Intellectual disability. Also called: Intellectual developmental disorder; Intellectual functioning disability; intellectual disabilities. Identifiers: MedGen C3714756, MeSH D008607, MONDO:0001071, HP:0001249.

Submission:

Cytogénomique, Hospices Civils de Lyon
Classification: Uncertain significance for Intellectual disability. Last evaluated: 2021-03-08. Review status: criteria provided, single submitter. Criteria: ACMG Guidelines, 2015. Collection method: clinical testing. Allele origin: maternal. Inheritance: X-linked inheritance. Affected: yes.
Comment: Absent from gnomAD. In functional domain. Mixed predictions.

NM_001081550.2(THOC2):c.3427G>A (p.Ala1143Thr)

Gene: THOC2 (THO complex subunit 2; minus strand). Cytogenetic location: Xq25.
Variant type: single nucleotide variant.
Coding change: c.3427G>A on transcript NM_001081550.2 (MANE Select); coding-DNA position 3427, G replaced by A.
Protein change: p.Ala1143Thr; replaces alanine 1143 with threonine.
Molecular consequence: missense variant.
Genome position (GRCh38, 1-based): chrX:123,623,863, C>T on the plus strand (G>A on the coding strand, the complement: THOC2 is on the minus strand). VCF-style: chrX-123623863-C-T. GRCh37 (hg19) VCF-style: chrX-122757714-C-T.
Other names: short protein forms A1143T.
Identifiers: ClinVar variation 1012266 (VCV001012266.2), dbSNP rs2047169812, ClinGen allele CA414264141.